The following is an entry in ClinVar:

NM_203446.3(SYNJ1):c.3526C>T (p.Gln1176Ter)

Gene: SYNJ1 (synaptojanin 1; minus strand). Cytogenetic location: 21q22.11.
Variant type: single nucleotide variant.
Coding change: c.3526C>T on transcript NM_203446.3 (MANE Select); coding-DNA position 3526, C replaced by T.
Protein change: p.Gln1176Ter; replaces glutamine 1176 with a stop codon.
Molecular consequence: nonsense.
Genome position (GRCh38, 1-based): chr21:32,641,958, G>A on the plus strand (C>T on the coding strand, the complement: SYNJ1 is on the minus strand). VCF-style: chr21-32641958-G-A. GRCh37 (hg19) VCF-style: chr21-34014268-G-A.
Other names: c.3478C>T, p.Gln1160Ter (NM_001160302.2); c.3385C>T, p.Gln1129Ter (NM_001160306.2); c.3643C>T, p.Gln1215Ter (NM_003895.4); short protein forms Q1129*, Q1160*, Q1176*, Q1215*.
Identifiers: ClinVar variation 3752740 (VCV003752740.2).

ClinVar aggregate classification (germline): Pathogenic (1 of 4 stars; one submission).

Conditions:
Developmental and epileptic encephalopathy, 53. Also called: Epileptic encephalopathy, early infantile, 53. Identifiers: MedGen C4479313, MONDO:0033362, OMIM 617389.
Early-onset Parkinson disease 20. Also called: PARKINSON DISEASE 20, AUTOSOMAL RECESSIVE EARLY-ONSET. Identifiers: Orphanet 391411, MedGen C3809824, MONDO:0014233, OMIM 615530.

Submission:

Labcorp Genetics (formerly Invitae), Labcorp
Classification: Pathogenic for Developmental and epileptic encephalopathy, 53; Early-onset Parkinson disease 20. Last evaluated: 2024-05-21. Review status: criteria provided, single submitter. Criteria: Invitae Variant Classification Sherloc (09022015). Collection method: clinical testing. Allele origin: germline.
Comment: This sequence change creates a premature translational stop signal (p.Gln1215*) in the SYNJ1 gene. It is expected to result in an absent or disrupted protein product. Loss-of-function variants in SYNJ1 are known to be pathogenic (PMID: 25316601, 27435091). This variant is not present in population databases (gnomAD no frequency). This variant has not been reported in the literature in individuals affected with SYNJ1-related conditions. For these reasons, this variant has been classified as Pathogenic.

Literature cited by the submitters: PubMed 25316601; PubMed 27435091.